The following is an entry in ClinVar:

ClinVar aggregate classification (germline): Benign/Likely benign. Review status: criteria provided, multiple submitters, no conflicts (2 of 4 stars). 3 submissions from 3 submitters: Benign (1); Likely benign (2). Last evaluated 2026-04-28.

Conditions:
Colorectal cancer, hereditary nonpolyposis, type 7. Identifiers: Orphanet 144, MedGen C1858380, MONDO:0013725, OMIM 614385.

Allele frequency attached by ClinVar (database versions not stated): TOPMed below 0.00001; gnomAD exomes 0.00002 and 0.00001.
gnomAD v4.1: 32 of 1,614,228 alleles (0.002%); highest among the groups gnomAD compares: Non-Finnish European, 0.0021%; no homozygotes.

Submissions (3):

Myriad Genetics, Inc.
Classification: Benign for Colorectal cancer, hereditary nonpolyposis, type 7. Last evaluated: 2026-04-28. Review status: criteria provided, single submitter. Criteria: Myriad Autosomal Dominant, Autosomal Recessive and X-Linked Classification Criteria (2023). Collection method: clinical testing. Allele origin: unknown.
Comment: This variant is considered benign. This variant is a silent/synonymous amino acid change and it is not expected to impact splicing.

Labcorp Genetics (formerly Invitae), Labcorp
Classification: Likely benign for Colorectal cancer, hereditary nonpolyposis, type 7. Last evaluated: 2024-01-09. Review status: criteria provided, single submitter. Criteria: Invitae Variant Classification Sherloc (09022015). Collection method: clinical testing. Allele origin: germline.

Ambry Genetics
Classification: Likely benign. Last evaluated: 2022-02-13. Review status: criteria provided, single submitter. Criteria: Ambry Variant Classification Scheme 2023. Collection method: clinical testing. Allele origin: germline.

NM_001040108.2(MLH3):c.45T>G (p.Ser15=)

Gene: MLH3 (mutL homolog 3; minus strand). Cytogenetic location: 14q24.3.
Variant type: single nucleotide variant.
Coding change: c.45T>G on transcript NM_001040108.2 (MANE Select); coding-DNA position 45, T replaced by G.
Protein change: p.Ser15=; no amino-acid change (serine 15 retained).
Molecular consequence: synonymous variant.
Genome position (GRCh38, 1-based): chr14:75,049,611, A>C on the plus strand (T>G on the coding strand, the complement: MLH3 is on the minus strand). VCF-style: chr14-75049611-A-C. GRCh37 (hg19) VCF-style: chr14-75516314-A-C.
Other names: c.45T>G, p.Ser15= (NM_014381.3).
Identifiers: ClinVar variation 1111448 (VCV001111448.12), dbSNP rs1206903146, ClinGen allele CA487274515.
Genomic context (GRCh38, chr14:75,049,611, plus strand): 5'-ATCAATACTGTTGAGGGCAAGTTCCTCAACACATTGGCCCAAGGAGCTTATGGCCAAACC[A>C]GAACGCAATTTGGCTTGTACTTCAACTGACAAGCACTTGATCATGGTAGGTAGAAAGATG-3'
Protein context (NP_001035197.1, residues 5-25): LSVEVQAKLR[Ser15=]GLAISSLGQC